The following is an entry in ClinVar:

NM_000747.3(CHRNB1):c.914T>G (p.Val305Gly)

Gene: CHRNB1 (cholinergic receptor nicotinic beta 1 subunit; plus strand). Cytogenetic location: 17p13.1.
Variant type: single nucleotide variant.
Coding change: c.914T>G on transcript NM_000747.3 (MANE Select); coding-DNA position 914, T replaced by G.
Protein change: p.Val305Gly; replaces valine 305 with glycine.
Molecular consequence: missense variant.
Genome position (GRCh38, 1-based): chr17:7,454,390, T>G. VCF-style: chr17-7454390-T-G. GRCh37 (hg19) VCF-style: chr17-7357709-T-G.
Other names: short protein forms V305G.
Identifiers: ClinVar variation 639222 (VCV000639222.14), dbSNP rs372910299, ClinGen allele CA287431104.

ClinVar aggregate classification (germline): Uncertain significance. Review status: criteria provided, multiple submitters, no conflicts (2 of 4 stars). 3 submissions from 3 submitters: Uncertain significance (3). Last evaluated 2025-11-18.

Conditions:
Congenital myasthenic syndrome 2A. Also called: Myasthenic syndrome, congenital, 2a, slow-channel. Identifiers: Orphanet 590, MedGen C4225374, MONDO:0014581, OMIM 616313.
Inborn genetic diseases. Identifiers: MedGen C0950123, MeSH D030342.

Allele frequency attached by ClinVar (database versions not stated): gnomAD exomes below 0.00001 and 0.00002; gnomAD 0.00001 and 0.00002; TOPMed 0.00006; ESP Exome Variant Server 0.00008.

Submissions (3):

Labcorp Genetics (formerly Invitae), Labcorp
Classification: Uncertain significance for Congenital myasthenic syndrome 2A. Last evaluated: 2025-11-18. Review status: criteria provided, single submitter. Criteria: Invitae Variant Classification Sherloc (09022015). Collection method: clinical testing. Allele origin: germline.
Comment: This sequence change replaces valine, which is neutral and non-polar, with glycine, which is neutral and non-polar, at codon 305 of the CHRNB1 protein (p.Val305Gly). This variant is present in population databases (rs372910299, gnomAD 0.02%). This variant has not been reported in the literature in individuals affected with CHRNB1-related conditions. ClinVar contains an entry for this variant (Variation ID: 639222). Invitae Evidence Modeling of protein sequence and biophysical properties (such as structural, functional, and spatial information, amino acid conservation, physicochemical variation, residue mobility, and thermodynamic stability) indicates that this missense variant is expected to disrupt CHRNB1 protein function with a positive predictive value of 80%. In summary, the available evidence is currently insufficient to determine the role of this variant in disease. Therefore, it has been classified as a Variant of Uncertain Significance.

Ambry Genetics
Classification: Uncertain significance for Inborn genetic diseases. Last evaluated: 2022-12-21. Review status: criteria provided, single submitter. Criteria: Ambry Variant Classification Scheme 2023. Collection method: clinical testing. Allele origin: germline.

Revvity Omics, Revvity
Classification: Uncertain significance. Last evaluated: 2020-03-20. Review status: criteria provided, single submitter. Criteria: ACMG Guidelines, 2015. Collection method: clinical testing. Allele origin: germline.